The following is an entry in ClinVar:

NM_006009.4(TUBA1A):c.657T>G (p.Ile219Met)

Gene: TUBA1A (tubulin alpha 1a; minus strand). Cytogenetic location: 12q13.12.
Variant type: single nucleotide variant.
Coding change: c.657T>G on transcript NM_006009.4 (MANE Select); coding-DNA position 657, T replaced by G.
Protein change: p.Ile219Met; replaces isoleucine 219 with methionine.
Molecular consequence: missense variant.
Genome position (GRCh38, 1-based): chr12:49,185,709, A>C on the plus strand (T>G on the coding strand, the complement: TUBA1A is on the minus strand). VCF-style: chr12-49185709-A-C. GRCh37 (hg19) VCF-style: chr12-49579492-A-C.
Other names: c.657T>G, p.Ile219Met (NM_001270399.2); c.552T>G, p.Ile184Met (NM_001270400.2); c.657T>G (NM_006009.2); short protein forms I219M, I184M.
Identifiers: ClinVar variation 1394747 (VCV001394747.7), dbSNP rs146680997, ClinGen allele CA384640999.

ClinVar aggregate classification (germline): Pathogenic/Likely pathogenic. Review status: criteria provided, multiple submitters, no conflicts (2 of 4 stars). 2 submissions from 2 submitters: Pathogenic (1); Likely pathogenic (1). Last evaluated 2025-08-21.

Conditions:
Lissencephaly due to TUBA1A mutation (CDCBM16). Also called: CORTICAL DYSPLASIA, COMPLEX, WITH OTHER BRAIN MALFORMATIONS 16; Lissencephaly 3. Identifiers: Orphanet 171680, MedGen C4305153, MONDO:0012703, OMIM 611603.

Submissions (2):

Labcorp Genetics (formerly Invitae), Labcorp
Classification: Pathogenic. Last evaluated: 2025-08-21. Review status: criteria provided, single submitter. Criteria: Invitae Variant Classification Sherloc (09022015). Collection method: clinical testing. Allele origin: germline.
Comment: This sequence change replaces isoleucine, which is neutral and non-polar, with methionine, which is neutral and non-polar, at codon 219 of the TUBA1A protein (p.Ile219Met). This variant is not present in population databases (gnomAD no frequency). This missense change has been observed in individual(s) with cortical malformations (internal data). In at least one individual the variant was observed to be de novo. ClinVar contains an entry for this variant (Variation ID: 1394747). Invitae Evidence Modeling of protein sequence and biophysical properties (such as structural, functional, and spatial information, amino acid conservation, physicochemical variation, residue mobility, and thermodynamic stability) has been performed for this missense variant. However, the output from this modeling did not meet the statistical confidence thresholds required to predict the impact of this variant on TUBA1A protein function. This variant disrupts the p.Ile219 amino acid residue in TUBA1A. Other variant(s) that disrupt this residue have been determined to be pathogenic (PMID: 26130693). This suggests that this residue is clinically significant, and that variants that disrupt this residue are likely to be disease-causing. For these reasons, this variant has been classified as Pathogenic.

Duke University Health System Sequencing Clinic, Duke University Health System
Classification: Likely pathogenic for Lissencephaly due to TUBA1A mutation. Last evaluated: 2023-04-20. Review status: criteria provided, single submitter. Criteria: ACMG Guidelines, 2015. Collection method: research. Allele origin: de novo. Affected: yes.

Literature cited by the submitters: PubMed 26130693 (cited by Labcorp Genetics (formerly Invitae), Labcorp).